The following is an entry in ClinVar:

NM_016507.4(CDK12):c.4040G>C (p.Gly1347Ala)

Gene: CDK12 (cyclin dependent kinase 12; plus strand). Cytogenetic location: 17q12.
Variant type: single nucleotide variant.
Coding change: c.4040G>C on transcript NM_016507.4 (MANE Select); coding-DNA position 4040, G replaced by C.
Protein change: p.Gly1347Ala; replaces glycine 1347 with alanine.
Molecular consequence: missense variant.
Genome position (GRCh38, 1-based): chr17:39,530,883, G>C. VCF-style: chr17-39530883-G-C. GRCh37 (hg19) VCF-style: chr17-37687136-G-C.
Other names: c.4013G>C, p.Gly1338Ala (NM_015083.4); short protein forms G1338A, G1347A.
Identifiers: ClinVar variation 2592608 (VCV002592608.3), dbSNP rs762321921, ClinGen allele CA8531646.

ClinVar aggregate classification (germline): Uncertain significance (1 of 4 stars; one submission).

Allele frequency attached by ClinVar (database versions not stated): ExAC 0.00001; TOPMed 0.00002.

Submission:

Ambry Genetics
Classification: Uncertain significance. Last evaluated: 2026-08-13. Review status: criteria provided, single submitter. Criteria: Ambry Variant Classification Scheme 2023. Collection method: clinical testing. Allele origin: germline.
Comment: The p.G1347A variant (also known as c.4040G>C), located in coding exon 14 of the CDK12 gene, results from a G to C substitution at nucleotide position 4040. The glycine at codon 1347 is replaced by alanine, an amino acid with similar properties. This amino acid position is conserved. In addition, this alteration is predicted to be tolerated by in silico analysis. Based on the available evidence, the clinical significance of this variant remains unclear.